The following is an entry in ClinVar:

ClinVar aggregate classification (germline): Uncertain significance (1 of 4 stars; one submission).

gnomAD v4.1: 270 of 1,405,440 alleles (0.019%); highest among the groups gnomAD compares: Non-Finnish European, 0.025%; no homozygotes.

Submission:

Dasa
Classification: Uncertain significance. Last evaluated: 2026-03-19. Review status: criteria provided, single submitter. Criteria: DASA Assertion Criteria. Collection method: clinical testing. Allele origin: germline.
Comment: NM_004525.3(LRP2):c.4692-36C>T is an intronic variant. This variant is rare in population databases. The currently available literature and clinical evidence are not sufficient to establish a definitive association between this variant and the reported condition. Therefore, this variant is classified as a variant of uncertain significance.

NM_004525.3(LRP2):c.4692-36C>T

Gene: LRP2 (LDL receptor related protein 2; minus strand). Cytogenetic location: 2q31.1.
Variant type: single nucleotide variant.
Coding change: c.4692-36C>T on transcript NM_004525.3 (MANE Select); 36 bases into the intron before coding-DNA position 4692, C replaced by T.
Molecular consequence: intron variant.
Genome position (GRCh38, 1-based): chr2:169,236,104, G>A on the plus strand (C>T on the coding strand, the complement: LRP2 is on the minus strand). VCF-style: chr2-169236104-G-A. GRCh37 (hg19) VCF-style: chr2-170092614-G-A.
Identifiers: ClinVar variation 4881848 (VCV004881848.2).
Genomic context (GRCh38, chr2:169,236,104, plus strand): 5'-GTCAGACCAGAACAGTAGATGCTCACTGGGAAAGGAAATGAGTTACCAATTGGAGGGGAC[G>A]TATTTAAATATTAAAAATAACTGTCATTTTAAATAATACAACATCCTGTTTATGCCCTGC-3'